The following is an entry in ClinVar:

NM_002439.5(MSH3):c.410T>G (p.Leu137Trp)

Gene: MSH3 (mutS homolog 3; plus strand). Cytogenetic location: 5q14.1.
Variant type: single nucleotide variant.
Coding change: c.410T>G on transcript NM_002439.5 (MANE Select); coding-DNA position 410, T replaced by G.
Protein change: p.Leu137Trp; replaces leucine 137 with tryptophan.
Molecular consequence: missense variant.
Genome position (GRCh38, 1-based): chr5:80,665,194, T>G. VCF-style: chr5-80665194-T-G. GRCh37 (hg19) VCF-style: chr5-79961013-T-G.
Other names: short protein forms L137W.
Identifiers: ClinVar variation 4735029 (VCV004735029.1).

ClinVar aggregate classification (germline): Uncertain significance (1 of 4 stars; one submission).

Submission:

Labcorp Genetics (formerly Invitae), Labcorp
Classification: Uncertain significance. Last evaluated: 2026-01-10. Review status: criteria provided, single submitter. Criteria: Invitae Variant Classification Sherloc (09022015). Collection method: clinical testing. Allele origin: germline.
Comment: This sequence change replaces leucine, which is neutral and non-polar, with tryptophan, which is neutral and slightly polar, at codon 137 of the MSH3 protein (p.Leu137Trp). This variant is not present in population databases (gnomAD no frequency). This variant has not been reported in the literature in individuals affected with MSH3-related conditions. An algorithm developed to predict the effect of missense changes on protein structure and function (PolyPhen-2) suggests that this variant is likely to be disruptive. In summary, the available evidence is currently insufficient to determine the role of this variant in disease. Therefore, it has been classified as a Variant of Uncertain Significance.